The following is an entry in ClinVar:

ClinVar aggregate classification (germline): Uncertain significance. Review status: criteria provided, multiple submitters, no conflicts (2 of 4 stars). 2 submissions from 2 submitters: Uncertain significance (2). Last evaluated 2025-11-06.

Conditions:
Inborn genetic diseases. Identifiers: MedGen C0950123, MeSH D030342.
Immunodeficiency 35 (IMD35). Also called: HIES WITH ATYPICAL MYCOBACTERIOSIS, AUTOSOMAL RECESSIVE; Susceptibility to infection due to TYK2 deficiency; HYPER-IgE SYNDROME WITH ATYPICAL MYCOBACTERIOSIS, AUTOSOMAL RECESSIVE; TYK2 DEFICIENCY. Identifiers: Orphanet 331226, MedGen C1969086, MONDO:0012682, OMIM 611521.

Allele frequency attached by ClinVar (database versions not stated): gnomAD 0.00001 and 0.00003; gnomAD exomes 0.00001 and 0.00002; ExAC 0.00002; TOPMed 0.00004.
gnomAD v4.1: 17 of 1,612,924 alleles (0.0011%); highest among the groups gnomAD compares: Middle Eastern, 0.016%; no homozygotes.

Submissions (2):

Ambry Genetics
Classification: Uncertain significance for Inborn genetic diseases. Last evaluated: 2025-11-06. Review status: criteria provided, single submitter. Criteria: Ambry Variant Classification Scheme 2023. Collection method: clinical testing. Allele origin: germline.

Labcorp Genetics (formerly Invitae), Labcorp
Classification: Uncertain significance for Immunodeficiency 35. Last evaluated: 2025-01-09. Review status: criteria provided, single submitter. Criteria: Invitae Variant Classification Sherloc (09022015). Collection method: clinical testing. Allele origin: germline.
Comment: This sequence change replaces arginine, which is basic and polar, with cysteine, which is neutral and slightly polar, at codon 274 of the TYK2 protein (p.Arg274Cys). This variant is present in population databases (rs748218971, gnomAD 0.009%). This variant has not been reported in the literature in individuals affected with TYK2-related conditions. ClinVar contains an entry for this variant (Variation ID: 1054036). Invitae Evidence Modeling of protein sequence and biophysical properties (such as structural, functional, and spatial information, amino acid conservation, physicochemical variation, residue mobility, and thermodynamic stability) indicates that this missense variant is not expected to disrupt TYK2 protein function with a negative predictive value of 80%. In summary, the available evidence is currently insufficient to determine the role of this variant in disease. Therefore, it has been classified as a Variant of Uncertain Significance.

NM_003331.5(TYK2):c.820C>T (p.Arg274Cys)

Gene: TYK2 (tyrosine kinase 2; minus strand). Cytogenetic location: 19p13.2.
Variant type: single nucleotide variant.
Coding change: c.820C>T on transcript NM_003331.5 (MANE Select); coding-DNA position 820, C replaced by T.
Protein change: p.Arg274Cys; replaces arginine 274 with cysteine.
Molecular consequence: missense variant.
Genome position (GRCh38, 1-based): chr19:10,365,708, G>A on the plus strand (C>T on the coding strand, the complement: TYK2 is on the minus strand). VCF-style: chr19-10365708-G-A. GRCh37 (hg19) VCF-style: chr19-10476384-G-A.
Other names: c.820C>T (NM_003331.4); c.820C>T, p.Arg274Cys (NM_001385197.1, NM_001385198.1, NM_001385199.1 and 7 more transcripts); c.730C>T, p.Arg244Cys (NM_001385205.1); short protein forms R244C, R274C.
Identifiers: ClinVar variation 1054036 (VCV001054036.6), dbSNP rs748218971, ClinGen allele CA9193605.
Genomic context (GRCh38, chr19:10,365,708, plus strand): 5'-GGATGTAGCAGGGCTCCCCCTCGGCCTGGGCCAGCAGCCTCAGGTGGCACACGGGCACAC[G>A]CTCTGTGCCGAAGCGGGGTGCCAGCCGCTCGAGTGTGGCTAGGTATTTGACCATGACCAT-3'
Protein context (NP_003322.3, residues 264-284): ERLAPRFGTE[Arg274Cys]VPVCHLRLLA